The following is an entry in ClinVar:

ClinVar aggregate classification (germline): Conflicting classifications of pathogenicity. Review status: criteria provided, conflicting classifications (1 of 4 stars). 3 submissions from 3 submitters: Uncertain significance (1); Benign (1); Likely benign (1). Last evaluated 2026-08-01.

Conditions:
Duane retraction syndrome 2. Identifiers: Orphanet 233, MedGen C0751083, MONDO:0011444, OMIM 604356.

Allele frequency attached by ClinVar (database versions not stated): 1000 Genomes Project 30x 0.00031; 1000 Genomes Project 0.00040; ESP Exome Variant Server 0.00043; gnomAD 0.00069 and 0.00071; TOPMed 0.00070; gnomAD exomes 0.00079; ExAC 0.00118.
gnomAD v4.1: 616 of 1,552,602 alleles (0.04%); highest among the groups gnomAD compares: Middle Eastern, 0.18%; 6 homozygotes.

Submissions (3):

CeGaT Center for Human Genetics Tuebingen
Classification: Likely benign. Last evaluated: 2026-08-01. Review status: criteria provided, single submitter. Criteria: CeGaT Center For Human Genetics Tuebingen Variant Classification Criteria Version 2. Collection method: clinical testing. Allele origin: germline. Affected: yes. Observed: 1 variant allele.
Comment: CHN1: BP4, BP7

Labcorp Genetics (formerly Invitae), Labcorp
Classification: Benign. Last evaluated: 2019-12-31. Review status: criteria provided, single submitter. Criteria: Invitae Variant Classification Sherloc (09022015). Collection method: clinical testing. Allele origin: germline.

Illumina Laboratory Services, Illumina
Classification: Uncertain significance for Duane retraction syndrome 2. Last evaluated: 2018-02-13. Review status: criteria provided, single submitter. Criteria: ICSL Variant Classification Criteria 13 December 2019. Collection method: clinical testing. Allele origin: germline.

NM_001822.7(CHN1):c.588C>T (p.Asn196=)

Gene: CHN1 (chimerin 1; minus strand). Cytogenetic location: 2q31.1.
Variant type: single nucleotide variant.
Coding change: c.588C>T on transcript NM_001822.7 (MANE Select); coding-DNA position 588, C replaced by T.
Protein change: p.Asn196=; no amino-acid change (asparagine 196 retained).
Molecular consequence: synonymous variant. On other transcripts: non-coding transcript variant (1), intron variant (1).
Genome position (GRCh38, 1-based): chr2:174,846,919, G>A on the plus strand (C>T on the coding strand, the complement: CHN1 is on the minus strand). VCF-style: chr2-174846919-G-A. GRCh37 (hg19) VCF-style: chr2-175711647-G-A.
Other names: c.213C>T, p.Asn71= (NM_001206602.2); c.588C>T, p.Asn196= (NM_001371513.1); c.639C>T, p.Asn213= (NM_001371514.1); c.550-22401C>T (NM_001025201.4).
Identifiers: ClinVar variation 709072 (VCV000709072.9), dbSNP rs146313212, ClinGen allele CA1974969.